The following is an entry in ClinVar:

NM_001967.4(EIF4A2):c.619_622dup (p.Ile208fs)

Gene: EIF4A2 (eukaryotic translation initiation factor 4A2; plus strand). Cytogenetic location: 3q27.3.
Variant type: Duplication.
Coding change: c.619_622dup on transcript NM_001967.4 (MANE Select); coding-DNA positions 619 to 622, 4 bases duplicated (AGTA; older notation c.619_622dupAGTA).
Protein change: p.Ile208fs; shifts the reading frame from isoleucine 208.
Molecular consequence: frameshift variant.
Genome position (GRCh38, 1-based): chr3:186,786,265-186,786,268, AGTA duplicated; duplicating any 4 consecutive bases within chr3:186,786,264-186,786,268 gives the same sequence; the c. name uses the placement nearest the transcript's 3' end. VCF-style (leftmost placement, unchanged base first): chr3-186786263-C-CAAGT. GRCh37 (hg19) VCF-style: chr3-186504052-C-CAAGT.
Other names: short protein forms I208fs.
Identifiers: ClinVar variation 3367935 (VCV003367935.1).

ClinVar aggregate classification (germline): Uncertain significance (1 of 4 stars; one submission).

Submission:

GeneDx
Classification: Uncertain significance. Last evaluated: 2024-01-16. Review status: criteria provided, single submitter. Criteria: GeneDx Variant Classification Process June 2021. Collection method: clinical testing. Allele origin: germline. Affected: yes.
Comment: Not observed at significant frequency in large population cohorts (gnomAD); Frameshift variant predicted to result in protein truncation or nonsense mediated decay in a gene or region of a gene for which loss of function is not a well-established mechanism of disease; Has not been previously published as pathogenic or benign to our knowledge